The following is an entry in ClinVar:

ClinVar aggregate classification (germline): Uncertain significance (1 of 4 stars; one submission).

Conditions:
2-aminoadipic 2-oxoadipic aciduria (AAKAD). Also called: ALPHA-AMINOADIPIC AND ALPHA-KETOADIPIC ACIDURIA; Aminoadipic aciduria. Identifiers: Orphanet 79154, MedGen C1859817, MONDO:0008774, OMIM 204750.

Submission:

Labcorp Genetics (formerly Invitae), Labcorp
Classification: Uncertain significance for 2-aminoadipic 2-oxoadipic aciduria. Last evaluated: 2023-10-06. Review status: criteria provided, single submitter. Criteria: Invitae Variant Classification Sherloc (09022015). Collection method: clinical testing. Allele origin: germline.
Comment: This sequence change replaces lysine, which is basic and polar, with asparagine, which is neutral and polar, at codon 155 of the DHTKD1 protein (p.Lys155Asn). This variant is not present in population databases (gnomAD no frequency). This variant has not been reported in the literature in individuals affected with DHTKD1-related conditions. Advanced modeling of protein sequence and biophysical properties (such as structural, functional, and spatial information, amino acid conservation, physicochemical variation, residue mobility, and thermodynamic stability) performed at Invitae indicates that this missense variant is not expected to disrupt DHTKD1 protein function. In summary, the available evidence is currently insufficient to determine the role of this variant in disease. Therefore, it has been classified as a Variant of Uncertain Significance.

NM_018706.7(DHTKD1):c.465G>T (p.Lys155Asn)

Gene: DHTKD1 (dehydrogenase E1 and transketolase domain containing 1; plus strand). Cytogenetic location: 10p14.
Variant type: single nucleotide variant.
Coding change: c.465G>T on transcript NM_018706.7 (MANE Select); coding-DNA position 465, G replaced by T.
Protein change: p.Lys155Asn; replaces lysine 155 with asparagine.
Molecular consequence: missense variant.
Genome position (GRCh38, 1-based): chr10:12,084,694, G>T. VCF-style: chr10-12084694-G-T. GRCh37 (hg19) VCF-style: chr10-12126693-G-T.
Other names: short protein forms K155N.
Identifiers: ClinVar variation 2745940 (VCV002745940.3), dbSNP rs2491471084, ClinGen allele CA376016716.